The following is an entry in ClinVar:

ClinVar aggregate classification (germline): Uncertain significance (1 of 4 stars; one submission).

Conditions:
Hereditary cancer-predisposing syndrome. Also called: Neoplastic Syndromes, Hereditary; Tumor predisposition; Hereditary neoplastic syndrome; Hereditary Cancer Syndrome. Identifiers: Orphanet 140162, MedGen C0027672, MeSH D009386, MONDO:0015356.

Submission:

Ambry Genetics
Classification: Uncertain significance for Hereditary cancer-predisposing syndrome. Last evaluated: 2026-07-25. Review status: criteria provided, single submitter. Criteria: Ambry Variant Classification Scheme 2023. Collection method: clinical testing. Allele origin: germline.
Comment: The p.T357I variant (also known as c.1070C>T), located in coding exon 9 of the TSC1 gene, results from a C to T substitution at nucleotide position 1070. The threonine at codon 357 is replaced by isoleucine, an amino acid with similar properties. This amino acid position is conserved. In addition, this alteration is predicted to be deleterious by in silico analysis. Based on the available evidence, the clinical significance of this variant remains unclear.

NM_000368.5(TSC1):c.1070C>T (p.Thr357Ile)

Gene: TSC1 (TSC complex subunit 1; minus strand). Cytogenetic location: 9q34.13.
Variant type: single nucleotide variant.
Coding change: c.1070C>T on transcript NM_000368.5 (MANE Select); coding-DNA position 1070, C replaced by T.
Protein change: p.Thr357Ile; replaces threonine 357 with isoleucine.
Molecular consequence: missense variant. On other transcripts: non-coding transcript variant (5).
Genome position (GRCh38, 1-based): chr9:132,911,073, G>A on the plus strand (C>T on the coding strand, the complement: TSC1 is on the minus strand). VCF-style: chr9-132911073-G-A. GRCh37 (hg19) VCF-style: chr9-135786460-G-A.
Other names: c.917C>T, p.Thr306Ile (NM_001406610.1, NM_001406611.1, NM_001406612.1 and 2 more transcripts); c.707C>T, p.Thr236Ile (NM_001406614.1, NM_001362177.2, NM_001406625.1 and 10 more transcripts); c.1070C>T, p.Thr357Ile (NM_001162426.2, NM_001406592.1, NM_001406593.1 and 16 more transcripts); c.119C>T, p.Thr40Ile (NM_001406626.1, NM_001406627.1, NM_001406628.1); c.20C>T, p.Thr7Ile (NM_001406629.1, NM_001406630.1); short protein forms T236I, T306I, T7I, T40I, T357I.
Identifiers: ClinVar variation 5031242 (VCV005031242.1).
Genomic context (GRCh38, chr9:132,911,073, plus strand): 5'-AAGACTTTACTGTAAGGGTGTGACAGATCAGGTGGGACATTTCCAGGAGAAGTTGGAGGA[G>A]TGGTCATACCACAAACCATAGATGGGCTCCAAAGAGTAGCCTGGGAAGTTAATAAAGTAC-3'
Protein context (NP_000359.1, residues 347-367): WSPSMVCGMT[Thr357Ile]PPTSPGNVPP